The following is an entry in ClinVar:

Conditions:
Breast-ovarian cancer, familial, susceptibility to, 1 (BROVCA1). Also called: BRCA1 Hereditary Breast and Ovarian Cancer; OVARIAN CANCER, SUSCEPTIBILITY TO. Identifiers: Orphanet 145, MedGen C2676676, MONDO:0011450, OMIM 604370. Disease mechanism: loss of function.

Submission:

Brotman Baty Institute, University of Washington
No classification provided (evidence only). Condition: Breast-ovarian cancer, familial 1. Review status: no classification provided. Collection method: in vitro. Allele origin: not applicable. Functional consequence: functionally_normal.
ClinVar note: "not provided" was previously submitted as the classification for the variant. However, the classification appeared to be based only on an observation of functional data so it was converted to no classification on 2025-07-30.

NM_007294.4(BRCA1):c.135-12T>C

Gene: BRCA1 (BRCA1 DNA repair associated; minus strand). Cytogenetic location: 17q21.31.
Variant type: single nucleotide variant.
Coding change: c.135-12T>C on transcript NM_007294.4 (MANE Select); 12 bases into the intron before coding-DNA position 135, T replaced by C.
Molecular consequence: intron variant.
Genome position (GRCh38, 1-based): chr17:43,106,545, A>G on the plus strand (T>C on the coding strand, the complement: BRCA1 is on the minus strand). VCF-style: chr17-43106545-A-G. GRCh37 (hg19) VCF-style: chr17-41258562-A-G.
Other names: c.135-12T>C (NM_001407605.1, NM_001408447.1, NM_001408433.1 and 167 more transcripts); c.-54-12T>C (NM_001407902.1, NM_001407956.1, NM_001407897.1 and 58 more transcripts); c.135-1589T>C (NM_001408414.1, NM_001408411.1, NM_001407655.1 and 21 more transcripts); c.-7-12T>C (NM_001407724.1, NM_001407697.1, NM_001407838.1 and 99 more transcripts); c.-218-11685T>C (NM_001407967.1, NM_001407966.1); c.-169-1589T>C (NM_001407959.1, NM_001407962.1, NM_001408512.1 and 4 more transcripts); c.81-1589T>C (NM_001408451.1).
Identifiers: ClinVar variation 867250 (VCV000867250.3), dbSNP rs2054798886, ClinGen allele CA916080934.